The following is an entry in ClinVar:

NM_025193.4(HSD3B7):c.682C>T (p.Arg228Trp)

Gene: HSD3B7 (hydroxy-delta-5-steroid dehydrogenase, 3 beta- and steroid delta-isomerase 7; plus strand). Cytogenetic location: 16p11.2.
Variant type: single nucleotide variant.
Coding change: c.682C>T on transcript NM_025193.4 (MANE Select); coding-DNA position 682, C replaced by T.
Protein change: p.Arg228Trp; replaces arginine 228 with tryptophan.
Molecular consequence: missense variant. On other transcripts: intron variant (2).
Genome position (GRCh38, 1-based): chr16:30,986,990, C>T. VCF-style: chr16-30986990-C-T. GRCh37 (hg19) VCF-style: chr16-30998311-C-T.
Other names: c.531+286C>T (NM_001142777.2, NM_001142778.2); short protein forms R228W.
Identifiers: ClinVar variation 1687377 (VCV001687377.4), dbSNP rs746884533, ClinGen allele CA8018074.

ClinVar aggregate classification (germline): Conflicting classifications of pathogenicity. Review status: criteria provided, conflicting classifications (1 of 4 stars). 2 submissions from 2 submitters: Pathogenic (1); Uncertain significance (1). Last evaluated 2023-03-07.

Conditions:
Congenital bile acid synthesis defect 1 (CBAS1). Also called: 3-BETA-HYDROXY-DELTA-5-C27-STEROID OXIDOREDUCTASE DEFICIENCY. Identifiers: Orphanet 79301, MedGen C1843116, MONDO:0011906, OMIM 607765.

Allele frequency attached by ClinVar (database versions not stated): gnomAD exomes 0.00001; TOPMed 0.00001; ExAC 0.00002.

Submissions (2):

Labcorp Genetics (formerly Invitae), Labcorp
Classification: Pathogenic. Last evaluated: 2023-03-07. Review status: criteria provided, single submitter. Criteria: Invitae Variant Classification Sherloc (09022015). Collection method: clinical testing. Allele origin: germline.
Comment: For these reasons, this variant has been classified as Pathogenic. This variant disrupts the p.Arg228 amino acid residue in HSD3B7. Other variant(s) that disrupt this residue have been determined to be pathogenic (PMID: 34627351). This suggests that this residue is clinically significant, and that variants that disrupt this residue are likely to be disease-causing. Algorithms developed to predict the effect of sequence changes on RNA splicing suggest that this variant may create or strengthen a splice site. Advanced modeling of protein sequence and biophysical properties (such as structural, functional, and spatial information, amino acid conservation, physicochemical variation, residue mobility, and thermodynamic stability) has been performed at Invitae for this missense variant, however the output from this modeling did not meet the statistical confidence thresholds required to predict the impact of this variant on HSD3B7 protein function. ClinVar contains an entry for this variant (Variation ID: 1687377). This missense change has been observed in individual(s) with clinical features of congenital bile acid synthesis defect (PMID: 34627351). This sequence change replaces arginine, which is basic and polar, with tryptophan, which is neutral and slightly polar, at codon 228 of the HSD3B7 protein (p.Arg228Trp). This variant is present in population databases (rs746884533, gnomAD 0.002%).

3billion
Classification: Uncertain significance for Congenital bile acid synthesis defect 1. Last evaluated: 2022-05-22. Review status: criteria provided, single submitter. Criteria: ACMG Guidelines, 2015. Collection method: clinical testing. Allele origin: germline. Affected: yes. Observed: 1 homozygote.
Comment: The variant is observed at an extremely low frequency in the gnomAD v2.1.1 dataset (total allele frequency: <0.001%). A different missense change at the same codon (p.Arg228Gln) has been reported to be associated with HSD3B7 related disorder (PMID: 26712441). However the evidence of pathogenicity is insufficient at this time. Therefore, this variant is classified as uncertain significanceaccording to the recommendation of ACMG/AMP guideline.

Literature cited by the submitters: PubMed 34627351 (cited by Labcorp Genetics (formerly Invitae), Labcorp); PubMed 26712441 (cited by 3billion).